The following is an entry in ClinVar:

ClinVar aggregate classification (germline): Conflicting classifications of pathogenicity. Review status: criteria provided, conflicting classifications (1 of 4 stars). 2 submissions from 2 submitters: Uncertain significance (1); Likely benign (1). Last evaluated 2022-02-25.

Conditions:
Immunodeficiency 51 (IMD51). Also called: CANDIDIASIS, FAMILIAL, 5. Identifiers: Orphanet 1334, MedGen C4310803, MONDO:0013500, OMIM 613953.

Allele frequency attached by ClinVar (database versions not stated): gnomAD 0.00002; TOPMed 0.00002.

Submissions (2):

Labcorp Genetics (formerly Invitae), Labcorp
Classification: Uncertain significance for Immunodeficiency 51. Last evaluated: 2022-02-25. Review status: criteria provided, single submitter. Criteria: Invitae Variant Classification Sherloc (09022015). Collection method: clinical testing. Allele origin: germline.
Comment: In summary, the available evidence is currently insufficient to determine the role of this variant in disease. Therefore, it has been classified as a Variant of Uncertain Significance. Variants that disrupt the consensus splice site are a relatively common cause of aberrant splicing (PMID: 17576681, 9536098). Algorithms developed to predict the effect of sequence changes on RNA splicing suggest that this variant is not likely to affect RNA splicing. ClinVar contains an entry for this variant (Variation ID: 1007791). This variant has not been reported in the literature in individuals affected with IL17RA-related conditions. This variant is present in population databases (rs762449094, gnomAD 0.003%). This sequence change falls in intron 9 of the IL17RA gene. It does not directly change the encoded amino acid sequence of the IL17RA protein. It affects a nucleotide within the consensus splice site.

Blueprint Genetics
Classification: Likely benign. Last evaluated: 2021-06-22. Review status: criteria provided, single submitter. Criteria: ACMG Guidelines, 2015. Collection method: clinical testing. Allele origin: germline.

Literature cited by the submitters: PubMed 17576681 (cited by Labcorp Genetics (formerly Invitae), Labcorp); PubMed 9536098 (cited by Labcorp Genetics (formerly Invitae), Labcorp).

NM_014339.7(IL17RA):c.931+6G>C

Gene: IL17RA (interleukin 17 receptor A; plus strand). Cytogenetic location: 22q11.1.
Variant type: single nucleotide variant.
Coding change: c.931+6G>C on transcript NM_014339.7 (MANE Select); 6 bases into the intron after coding-DNA position 931, G replaced by C.
Molecular consequence: intron variant.
Genome position (GRCh38, 1-based): chr22:17,104,816, G>C. VCF-style: chr22-17104816-G-C. GRCh37 (hg19) VCF-style: chr22-17585706-G-C.
Other names: c.931+6G>C (NM_001289905.2).
Identifiers: ClinVar variation 1007791 (VCV001007791.7), dbSNP rs762449094, ClinGen allele CA10086544.